The following is an entry in ClinVar:

ClinVar aggregate classification (germline): Uncertain significance (1 of 4 stars; one submission).

Submission:

Labcorp Genetics (formerly Invitae), Labcorp
Classification: Uncertain significance. Last evaluated: 2023-07-25. Review status: criteria provided, single submitter. Criteria: Invitae Variant Classification Sherloc (09022015). Collection method: clinical testing. Allele origin: germline.
Comment: In summary, the available evidence is currently insufficient to determine the role of this variant in disease. Therefore, it has been classified as a Variant of Uncertain Significance. This variant has not been reported in the literature in individuals affected with SOX11-related conditions. A copy number gain of the genomic region encompassing the full coding sequence of the SOX11 gene has been identified. The boundaries of this event are unknown as they extend beyond the assayed region for this gene and therefore may encompass additional genes. As the precise location of this event is unknown, it may be in tandem or it may be located elsewhere in the genome.

NC_000002.11:g.(?_5832854)_(5834179_?)dup

Gene: SOX11 (SRY-box transcription factor 11; plus strand). Cytogenetic location: 2p25.2.
Variant type: Duplication.
Identifiers: ClinVar variation 1421544 (VCV001421544.5).